The following is an entry in ClinVar:

ClinVar aggregate classification (germline): Benign. Review status: criteria provided, multiple submitters, no conflicts (2 of 4 stars). 2 submissions from 2 submitters: Benign (2). Last evaluated 2026-04-15.

Conditions:
DICER1-related tumor predisposition. Also called: DICER1-related pleuropulmonary blastoma cancer predisposition syndrome; DICER1 syndrome. Identifiers: Orphanet 284343, MedGen C3839822, MONDO:0100216.

Submissions (2):

Myriad Genetics, Inc.
Classification: Benign for DICER1-related tumor predisposition. Last evaluated: 2026-04-15. Review status: criteria provided, single submitter. Criteria: Myriad Autosomal Dominant, Autosomal Recessive and X-Linked Classification Criteria (2023). Collection method: clinical testing. Allele origin: unknown.
Comment: This variant is considered benign. This variant is intronic and is not expected to impact mRNA splicing.

Labcorp Genetics (formerly Invitae), Labcorp
Classification: Benign for DICER1-related tumor predisposition. Last evaluated: 2024-11-06. Review status: criteria provided, single submitter. Criteria: Invitae Variant Classification Sherloc (09022015). Collection method: clinical testing. Allele origin: germline.

NM_177438.3(DICER1):c.904-19dup

Gene: DICER1 (dicer 1, ribonuclease III; minus strand). Cytogenetic location: 14q32.13.
Variant type: Duplication.
Coding change: c.904-19dup on transcript NM_177438.3 (MANE Select); 19 bases into the intron before coding-DNA position 904, one base duplicated (T; older notation c.904-19dupT).
Molecular consequence: intron variant.
Genome position (GRCh38, 1-based): chr14:95,124,687, A duplicated on the plus strand (T on the coding strand, the reverse complement: DICER1 is on the minus strand); the first of 6 consecutive A bases (chr14:95,124,687-95,124,692); duplicating any one gives the same sequence. VCF-style (leftmost placement, unchanged base first): chr14-95124686-G-GA. GRCh37 (hg19) VCF-style: chr14-95591023-G-GA.
Other names: c.904-19dup (NM_001291628.2, NM_030621.4, NM_001271282.3 and 1 more transcripts).
Identifiers: ClinVar variation 1617669 (VCV001617669.10), dbSNP rs564981123, ClinGen allele CA7331550.
Genomic context (GRCh38, chr14:95,124,686, plus strand): 5'-AGGGTCCCAGAACTACCAATACGGCACGACAGTCTGATAGTATCTACAAAAAAAAGAAAA[G>GA]AAAAAACCTAATGCCAAATAATAATAATGTAGCATTTTCATGTGGGGTTTAACTGGGATT-3'